The following is an entry in ClinVar:

NM_199420.4(POLQ):c.7403C>G (p.Ala2468Gly)

Gene: POLQ (DNA polymerase theta; minus strand). Cytogenetic location: 3q13.33.
Variant type: single nucleotide variant.
Coding change: c.7403C>G on transcript NM_199420.4 (MANE Select); coding-DNA position 7403, C replaced by G.
Protein change: p.Ala2468Gly; replaces alanine 2468 with glycine.
Molecular consequence: missense variant.
Genome position (GRCh38, 1-based): chr3:121,436,262, G>C on the plus strand (C>G on the coding strand, the complement: POLQ is on the minus strand). VCF-style: chr3-121436262-G-C. GRCh37 (hg19) VCF-style: chr3-121155109-G-C.
Other names: short protein forms A2468G.
Identifiers: ClinVar variation 1758752 (VCV001758752.2), dbSNP rs2546747452, ClinGen allele CA354096248.

ClinVar aggregate classification (germline): Uncertain significance (1 of 4 stars; one submission).

Submission:

Ambry Genetics
Classification: Uncertain significance. Last evaluated: 2021-07-14. Review status: criteria provided, single submitter. Criteria: Ambry Variant Classification Scheme 2023. Collection method: clinical testing. Allele origin: germline.
Comment: The p.A2468G variant (also known as c.7403C>G), located in coding exon 28 of the POLQ gene, results from a C to G substitution at nucleotide position 7403. The alanine at codon 2468 is replaced by glycine, an amino acid with similar properties. This amino acid position is conserved. In addition, this alteration is predicted to be deleterious by in silico analysis. Since supporting evidence is limited at this time, the clinical significance of this alteration remains unclear.